The following is an entry in ClinVar:

NM_173495.3(PTCHD1):c.1136C>G (p.Thr379Ser)

Gene: PTCHD1 (patched domain containing 1; plus strand). Cytogenetic location: Xp22.11.
Variant type: single nucleotide variant.
Coding change: c.1136C>G on transcript NM_173495.3 (MANE Select); coding-DNA position 1136, C replaced by G.
Protein change: p.Thr379Ser; replaces threonine 379 with serine.
Molecular consequence: missense variant.
Genome position (GRCh38, 1-based): chrX:23,392,654, C>G. VCF-style: chrX-23392654-C-G. GRCh37 (hg19) VCF-style: chrX-23410771-C-G.
Other names: short protein forms T379S.
Identifiers: ClinVar variation 1806553 (VCV001806553.1), dbSNP rs1410644394, ClinGen allele CA412582797.

ClinVar aggregate classification (germline): Uncertain significance (1 of 4 stars; one submission).

Allele frequency attached by ClinVar (database versions not stated): TOPMed 0.00001.

Submission:

GeneDx
Classification: Uncertain significance. Last evaluated: 2022-06-26. Review status: criteria provided, single submitter. Criteria: GeneDx Variant Classification Process June 2021. Collection method: clinical testing. Allele origin: germline. Affected: yes.
Comment: Not observed at significant frequency in large population cohorts (gnomAD); In silico analysis supports that this missense variant does not alter protein structure/function; Has not been previously published as pathogenic or benign to our knowledge